The following is an entry in ClinVar:

NM_000051.4(ATM):c.6761A>G (p.His2254Arg)

Genes: ATM (ATM serine/threonine kinase; plus strand), C11orf65 (chromosome 11 open reading frame 65; minus strand). Cytogenetic location: 11q22.3.
Variant type: single nucleotide variant.
Coding change: c.6761A>G on transcript NM_000051.4 (MANE Select); coding-DNA position 6761, A replaced by G.
Protein change: p.His2254Arg; replaces histidine 2254 with arginine.
Molecular consequence: missense variant. On other transcripts: intron variant (2).
Genome position (GRCh38, 1-based): chr11:108,325,498, A>G. VCF-style: chr11-108325498-A-G. GRCh37 (hg19) VCF-style: chr11-108196225-A-G.
Other names: c.6761A>G, p.His2254Arg (NM_001351834.2); c.641-16427T>C (NM_001330368.2); c.*38+9722T>C (NM_001351110.2); short protein forms H2254R.
Identifiers: ClinVar variation 3801614 (VCV003801614.1).

ClinVar aggregate classification (germline): Uncertain significance (1 of 4 stars; one submission).

Conditions:
Hereditary cancer-predisposing syndrome. Also called: Neoplastic Syndromes, Hereditary; Tumor predisposition; Hereditary Cancer Syndrome; Hereditary neoplastic syndrome. Identifiers: Orphanet 140162, MedGen C0027672, MeSH D009386, MONDO:0015356.

gnomAD v4.1: 1 of 1,612,854 alleles (0.000062%); highest among the groups gnomAD compares: Non-Finnish European, 0.000085%; no homozygotes.

Submission:

Ambry Genetics
Classification: Uncertain significance for Hereditary cancer-predisposing syndrome. Last evaluated: 2025-01-04. Review status: criteria provided, single submitter. Criteria: Ambry Variant Classification Scheme 2023. Collection method: clinical testing. Allele origin: germline.
Comment: The p.H2254R variant (also known as c.6761A>G), located in coding exon 45 of the ATM gene, results from an A to G substitution at nucleotide position 6761. The histidine at codon 2254 is replaced by arginine, an amino acid with highly similar properties. This amino acid position is conserved. In addition, this alteration is predicted to be deleterious by in silico analysis. Based on the available evidence, the clinical significance of this variant remains unclear.